The following is an entry in ClinVar:

NM_001171.6(ABCC6):c.3385G>A (p.Glu1129Lys)

Gene: ABCC6 (ATP binding cassette subfamily C member 6; minus strand). Cytogenetic location: 16p13.11.
Variant type: single nucleotide variant.
Coding change: c.3385G>A on transcript NM_001171.6 (MANE Select); coding-DNA position 3385, G replaced by A.
Protein change: p.Glu1129Lys; replaces glutamic acid 1129 with lysine.
Molecular consequence: missense variant.
Genome position (GRCh38, 1-based): chr16:16,163,114, C>T on the plus strand (G>A on the coding strand, the complement: ABCC6 is on the minus strand). VCF-style: chr16-16163114-C-T. GRCh37 (hg19) VCF-style: chr16-16256971-C-T.
Other names: c.3043G>A, p.Glu1015Lys (NM_001351800.1); short protein forms E1129K, E1015K.
Identifiers: ClinVar variation 2878909 (VCV002878909.3), dbSNP rs1159157272, ClinGen allele CA394881547.
Genomic context (GRCh38, chr16:16,163,114, plus strand): 5'-GAGCCACAAAGGGGGCCTGGGTTCGGAATGCCCGGACCACTGTGCTGCCCTGGAACGTCT[C>T]AGCCATGTGGGAGCAGACAGACGAGTAGCTGGCTGACTCCAAGCGTCTCAGCTGGCATGA-3'
Protein context (NP_001162.5, residues 1119-1139): SYSSVCSHMA[Glu1129Lys]TFQGSTVVRA

ClinVar aggregate classification (germline): Uncertain significance (1 of 4 stars; one submission).

Submission:

Labcorp Genetics (formerly Invitae), Labcorp
Classification: Uncertain significance. Last evaluated: 2023-11-24. Review status: criteria provided, single submitter. Criteria: Invitae Variant Classification Sherloc (09022015). Collection method: clinical testing. Allele origin: germline.
Comment: This sequence change replaces glutamic acid, which is acidic and polar, with lysine, which is basic and polar, at codon 1129 of the ABCC6 protein (p.Glu1129Lys). This variant is not present in population databases (gnomAD no frequency). This variant has not been reported in the literature in individuals affected with ABCC6-related conditions. Advanced modeling of protein sequence and biophysical properties (such as structural, functional, and spatial information, amino acid conservation, physicochemical variation, residue mobility, and thermodynamic stability) performed at Invitae indicates that this missense variant is expected to disrupt ABCC6 protein function with a positive predictive value of 95%. In summary, the available evidence is currently insufficient to determine the role of this variant in disease. Therefore, it has been classified as a Variant of Uncertain Significance.